The following is an entry in ClinVar:

NM_032892.5(FRMD5):c.642C>T (p.Asp214=)

Gene: FRMD5 (FERM domain containing 5; minus strand). Cytogenetic location: 15q15.3.
Variant type: single nucleotide variant.
Coding change: c.642C>T on transcript NM_032892.5 (MANE Select); coding-DNA position 642, C replaced by T.
Protein change: p.Asp214=; no amino-acid change (aspartic acid 214 retained).
Molecular consequence: synonymous variant. On other transcripts: non-coding transcript variant (1), intron variant (1).
Genome position (GRCh38, 1-based): chr15:43,892,067, G>A on the plus strand (C>T on the coding strand, the complement: FRMD5 is on the minus strand). VCF-style: chr15-43892067-G-A. GRCh37 (hg19) VCF-style: chr15-44184265-G-A.
Other names: c.375C>T, p.Asp125= (NM_001286490.2); c.642C>T, p.Asp214= (NM_001322949.2, NM_001322950.2, NM_001411124.1); c.537C>T, p.Asp179= (NM_001322951.2); c.27-3195C>T (NM_001286491.2).
Identifiers: ClinVar variation 4084463 (VCV004084463.8).

ClinVar aggregate classification (germline): Likely benign (1 of 4 stars; one submission).

gnomAD v4.1: 9 of 1,613,666 alleles (0.00056%); highest among the groups gnomAD compares: South Asian, 0.0033%; no homozygotes.

Submission:

CeGaT Center for Human Genetics Tuebingen
Classification: Likely benign. Last evaluated: 2025-06-01. Review status: criteria provided, single submitter. Criteria: CeGaT Center For Human Genetics Tuebingen Variant Classification Criteria Version 2. Collection method: clinical testing. Allele origin: germline. Affected: yes. Observed: 1 variant allele.
Comment: FRMD5: BP4, BP7